The following is an entry in ClinVar:

ClinVar aggregate classification (germline): Uncertain significance (1 of 4 stars; one submission).

Conditions:
PRR12-related disorder. Also called: PRR12-related condition.

Submission:

PreventionGenetics, part of Exact Sciences
Classification: Uncertain significance for PRR12-related condition. Last evaluated: 2025-11-25. Review status: criteria provided, single submitter. Criteria: ACMG Guidelines, 2015. Collection method: clinical testing. Allele origin: germline.
Comment: The PRR12 c.2702_2703delinsGG variant is predicted to result in an in-frame deletion and insertion. To our knowledge, this variant has not been reported in the literature or in a large population database (gnomAD), indicating this variant is rare. At this time, the clinical significance of this variant is uncertain due to the absence of conclusive functional and genetic evidence.

NM_020719.3(PRR12):c.2702_2703delinsGG (p.Pro901Arg)

Gene: PRR12 (proline rich 12; plus strand). Cytogenetic location: 19q13.33.
Variant type: Indel.
Coding change: c.2702_2703delinsGG on transcript NM_020719.3 (MANE Select); coding-DNA positions 2702 to 2703, CA replaced by GG.
Protein change: p.Pro901Arg; replaces proline 901 with arginine.
Molecular consequence: missense variant.
Genome position (GRCh38, 1-based): chr19:49,597,037-49,597,038, CA replaced by GG. VCF-style: chr19-49597037-CA-GG. GRCh37 (hg19) VCF-style: chr19-50100294-CA-GG.
Other names: short protein forms P901R.
Identifiers: ClinVar variation 4995325 (VCV004995325.1).